The following is an entry in ClinVar:

ClinVar aggregate classification (germline): Likely benign (1 of 4 stars; one submission).

Allele frequency attached by ClinVar (database versions not stated): gnomAD exomes 0.00045; ESP Exome Variant Server 0.00094; ExAC 0.00130; gnomAD 0.00243; 1000 Genomes Project 30x 0.00671; 1000 Genomes Project 0.00699.
gnomAD v4.1: 998 of 1,574,078 alleles (0.063%); highest among the groups gnomAD compares: African/African-American, 0.8%; 110 homozygotes.

Submission:

CeGaT Center for Human Genetics Tuebingen
Classification: Likely benign. Last evaluated: 2023-04-01. Review status: criteria provided, single submitter. Criteria: CeGaT Center For Human Genetics Tuebingen Variant Classification Criteria Version 2. Collection method: clinical testing. Allele origin: germline. Affected: yes. Observed: 1 variant allele.
Comment: AHNAK2: BP4, BS2

NM_138420.4(AHNAK2):c.5209T>C (p.Phe1737Leu)

Gene: AHNAK2 (AHNAK nucleoprotein 2; minus strand). Cytogenetic location: 14q32.33.
Variant type: single nucleotide variant.
Coding change: c.5209T>C on transcript NM_138420.4 (MANE Select); coding-DNA position 5209, T replaced by C.
Protein change: p.Phe1737Leu; replaces phenylalanine 1737 with leucine.
Molecular consequence: missense variant.
Genome position (GRCh38, 1-based): chr14:104,950,242, A>G on the plus strand (T>C on the coding strand, the complement: AHNAK2 is on the minus strand). VCF-style: chr14-104950242-A-G. GRCh37 (hg19) VCF-style: chr14-105416579-A-G.
Other names: c.4909T>C, p.Phe1637Leu (NM_001350929.2); short protein forms F1637L, F1737L.
Identifiers: ClinVar variation 2644800 (VCV002644800.24), dbSNP rs199558670, ClinGen allele CA7381910.